The following is an entry in ClinVar:

NM_019594.4(LRRC8A):c.1249C>T (p.Arg417Trp)

Gene: LRRC8A (leucine rich repeat containing 8 VRAC subunit A; plus strand). Cytogenetic location: 9q34.11.
Variant type: single nucleotide variant.
Coding change: c.1249C>T on transcript NM_019594.4 (MANE Select); coding-DNA position 1249, C replaced by T.
Protein change: p.Arg417Trp; replaces arginine 417 with tryptophan.
Molecular consequence: missense variant.
Genome position (GRCh38, 1-based): chr9:128,908,413, C>T. VCF-style: chr9-128908413-C-T. GRCh37 (hg19) VCF-style: chr9-131670692-C-T.
Other names: c.1249C>T, p.Arg417Trp (NM_001127244.2, NM_001127245.2); short protein forms R417W.
Identifiers: ClinVar variation 1461449 (VCV001461449.8), dbSNP rs1168282295, ClinGen allele CA375080184.

ClinVar aggregate classification (germline): Uncertain significance (1 of 4 stars; one submission).

Allele frequency attached by ClinVar (database versions not stated): gnomAD 0.00001; gnomAD exomes 0.00001; TOPMed 0.00002.
gnomAD v4.1: 6 of 1,613,498 alleles (0.00037%); highest among the groups gnomAD compares: East Asian, 0.0045%; no homozygotes.

Submission:

Labcorp Genetics (formerly Invitae), Labcorp
Classification: Uncertain significance. Last evaluated: 2025-06-23. Review status: criteria provided, single submitter. Criteria: Invitae Variant Classification Sherloc (09022015). Collection method: clinical testing. Allele origin: germline.
Comment: This sequence change replaces arginine, which is basic and polar, with tryptophan, which is neutral and slightly polar, at codon 417 of the LRRC8A protein (p.Arg417Trp). This variant is not present in population databases (gnomAD no frequency). This variant has not been reported in the literature in individuals affected with LRRC8A-related conditions. ClinVar contains an entry for this variant (Variation ID: 1461449). An algorithm developed to predict the effect of missense changes on protein structure and function (PolyPhen-2) suggests that this variant is likely to be disruptive. In summary, the available evidence is currently insufficient to determine the role of this variant in disease. Therefore, it has been classified as a Variant of Uncertain Significance.